The following is an entry in ClinVar:

NM_015559.3(SETBP1):c.3367A>C (p.Met1123Leu)

Gene: SETBP1 (SET binding protein 1; plus strand). Cytogenetic location: 18q12.3.
Variant type: single nucleotide variant.
Coding change: c.3367A>C on transcript NM_015559.3 (MANE Select); coding-DNA position 3367, A replaced by C.
Protein change: p.Met1123Leu; replaces methionine 1123 with leucine.
Molecular consequence: missense variant.
Genome position (GRCh38, 1-based): chr18:44,952,707, A>C. VCF-style: chr18-44952707-A-C. GRCh37 (hg19) VCF-style: chr18-42532672-A-C.
Other names: c.3367A>C, p.Met1123Leu (NM_001379141.1, NM_001379142.1); short protein forms M1123L.
Identifiers: ClinVar variation 1694872 (VCV001694872.41), dbSNP rs766776747, ClinGen allele CA8945892.

ClinVar aggregate classification (germline): Uncertain significance. Review status: criteria provided, multiple submitters, no conflicts (2 of 4 stars). 3 submissions from 3 submitters: Uncertain significance (3). Last evaluated 2023-12-01.

Allele frequency attached by ClinVar (database versions not stated): gnomAD exomes 0.00001; ExAC 0.00002.

Submissions (3):

CeGaT Center for Human Genetics Tuebingen
Classification: Uncertain significance. Last evaluated: 2023-12-01. Review status: criteria provided, single submitter. Criteria: CeGaT Center For Human Genetics Tuebingen Variant Classification Criteria Version 2. Collection method: clinical testing. Allele origin: germline. Affected: yes. Observed: 2 variant alleles.
Comment: SETBP1: PM2, BP1, BP4

Labcorp Genetics (formerly Invitae), Labcorp
Classification: Uncertain significance. Last evaluated: 2023-06-29. Review status: criteria provided, single submitter. Criteria: Invitae Variant Classification Sherloc (09022015). Collection method: clinical testing. Allele origin: germline.
Comment: In summary, the available evidence is currently insufficient to determine the role of this variant in disease. Therefore, it has been classified as a Variant of Uncertain Significance. Advanced modeling of protein sequence and biophysical properties (such as structural, functional, and spatial information, amino acid conservation, physicochemical variation, residue mobility, and thermodynamic stability) performed at Invitae indicates that this missense variant is not expected to disrupt SETBP1 protein function. ClinVar contains an entry for this variant (Variation ID: 1694872). This variant has not been reported in the literature in individuals affected with SETBP1-related conditions. This variant is present in population databases (rs766776747, gnomAD 0.006%). This sequence change replaces methionine, which is neutral and non-polar, with leucine, which is neutral and non-polar, at codon 1123 of the SETBP1 protein (p.Met1123Leu).

Revvity Omics, Revvity
Classification: Uncertain significance. Last evaluated: 2022-10-02. Review status: criteria provided, single submitter. Criteria: ACMG Guidelines, 2015. Collection method: clinical testing. Allele origin: germline.